The following is an entry in ClinVar:

ClinVar aggregate classification (germline): Uncertain significance (1 of 4 stars; one submission).

Conditions:
Susceptibility to respiratory infections associated with CD8alpha chain mutation (IMD116). Also called: Cd8 deficiency, familial; IMMUNODEFICIENCY 116. Identifiers: Orphanet 169085, MedGen C1837065, MONDO:0012161, OMIM 608957.

Submission:

Labcorp Genetics (formerly Invitae), Labcorp
Classification: Uncertain significance for Susceptibility to respiratory infections associated with CD8alpha chain mutation. Last evaluated: 2020-07-15. Review status: criteria provided, single submitter. Criteria: Invitae Variant Classification Sherloc (09022015). Collection method: clinical testing. Allele origin: germline.
Comment: This sequence change replaces glycine with valine at codon 170 of the CD8A protein (p.Gly170Val). The glycine residue is moderately conserved and there is a moderate physicochemical difference between glycine and valine. The frequency data for this variant in the population databases is considered unreliable, as metrics indicate insufficient coverage at this position in the ExAC database. This variant has not been reported in the literature in individuals with CD8A-related conditions. Algorithms developed to predict the effect of missense changes on protein structure and function output the following: SIFT: "Deleterious"; PolyPhen-2: "Benign"; Align-GVGD: "Class C15". The valine amino acid residue is found in multiple mammalian species, suggesting that this missense change does not adversely affect protein function. These predictions have not been confirmed by published functional studies and their clinical significance is uncertain. In summary, the available evidence is currently insufficient to determine the role of this variant in disease. Therefore, it has been classified as a Variant of Uncertain Significance.

NM_001768.7(CD8A):c.509G>T (p.Gly170Val)

Gene: CD8A (CD8 subunit alpha; minus strand). Cytogenetic location: 2p11.2.
Variant type: single nucleotide variant.
Coding change: c.509G>T on transcript NM_001768.7 (MANE Select); coding-DNA position 509, G replaced by T.
Protein change: p.Gly170Val; replaces glycine 170 with valine.
Molecular consequence: missense variant. On other transcripts: non-coding transcript variant (3).
Genome position (GRCh38, 1-based): chr2:86,789,645, C>A on the plus strand (G>T on the coding strand, the complement: CD8A is on the minus strand). VCF-style: chr2-86789645-C-A. GRCh37 (hg19) VCF-style: chr2-87016768-C-A.
Other names: c.509G>T, p.Gly170Val (NM_001145873.1, NM_001382698.1, NM_171827.4); short protein forms G170V.
Identifiers: ClinVar variation 1047213 (VCV001047213.9), dbSNP rs1451100239, ClinGen allele CA347576279.